The following is an entry in ClinVar:

ClinVar aggregate classification (germline): Uncertain significance (1 of 4 stars; one submission).

gnomAD v4.1: 2 of 1,612,554 alleles (0.00012%); highest among the groups gnomAD compares: Non-Finnish European, 0.00017%; no homozygotes.

Submission:

Labcorp Genetics (formerly Invitae), Labcorp
Classification: Uncertain significance. Last evaluated: 2025-04-18. Review status: criteria provided, single submitter. Criteria: Invitae Variant Classification Sherloc (09022015). Collection method: clinical testing. Allele origin: germline.
Comment: This sequence change replaces isoleucine, which is neutral and non-polar, with threonine, which is neutral and polar, at codon 128 of the KCNQ5 protein (p.Ile128Thr). This variant is present in population databases (rs755133886, gnomAD 0.002%). This variant has not been reported in the literature in individuals affected with KCNQ5-related conditions. Invitae Evidence Modeling of protein sequence and biophysical properties (such as structural, functional, and spatial information, amino acid conservation, physicochemical variation, residue mobility, and thermodynamic stability) indicates that this missense variant is not expected to disrupt KCNQ5 protein function with a negative predictive value of 80%. In summary, the available evidence is currently insufficient to determine the role of this variant in disease. Therefore, it has been classified as a Variant of Uncertain Significance.

NM_019842.4(KCNQ5):c.383T>C (p.Ile128Thr)

Genes: KCNQ5 (potassium voltage-gated channel subfamily Q member 5; plus strand), KCNQ5-DT (KCNQ5 divergent transcript; minus strand). Cytogenetic location: 6q13.
Variant type: single nucleotide variant.
Coding change: c.383T>C on transcript NM_019842.4 (MANE Select); coding-DNA position 383, T replaced by C.
Protein change: p.Ile128Thr; replaces isoleucine 128 with threonine.
Molecular consequence: missense variant. On other transcripts: non-coding transcript variant (1).
Genome position (GRCh38, 1-based): chr6:72,622,572, T>C. VCF-style: chr6-72622572-T-C. GRCh37 (hg19) VCF-style: chr6-73332300-T-C.
Other names: c.383T>C, p.Ile128Thr (NM_001160130.2, NM_001160132.2, NM_001160133.2 and 1 more transcripts); short protein forms I128T.
Identifiers: ClinVar variation 4698436 (VCV004698436.1).